The following is an entry in ClinVar:

NM_020879.3(CCDC146):c.1084C>T (p.Arg362Ter)

Gene: CCDC146 (coiled-coil domain containing 146; plus strand). Cytogenetic location: 7q11.23.
Variant type: single nucleotide variant.
Coding change: c.1084C>T on transcript NM_020879.3 (MANE Select); coding-DNA position 1084, C replaced by T.
Protein change: p.Arg362Ter; replaces arginine 362 with a stop codon.
Molecular consequence: nonsense.
Genome position (GRCh38, 1-based): chr7:77,262,218, C>T. VCF-style: chr7-77262218-C-T. GRCh37 (hg19) VCF-style: chr7-76891535-C-T.
Other names: p.(Arg362Ter); short protein forms R362*.
Identifiers: ClinVar variation 3024125 (VCV003024125.4), dbSNP rs371350411, ClinGen allele CA4309706.

ClinVar aggregate classification (germline): Pathogenic. Review status: criteria provided, single submitter (1 of 4 stars). 3 submissions from 3 submitters: Pathogenic (1). 2 of the submissions do not count toward it. Last evaluated 2025-12-06.

Conditions:
Spermatogenic failure 94. Identifiers: MedGen C5935627, MONDO:0971002, OMIM 620850.
Male infertility due to sperm motility disorder. Identifiers: Orphanet 399813, MedGen C5680032, MONDO:0018395.

Allele frequency attached by ClinVar (database versions not stated): gnomAD 0.00007; TOPMed 0.00007; ESP Exome Variant Server 0.00008.
gnomAD v4.1: 94 of 1,613,766 alleles (0.0058%); highest among the groups gnomAD compares: Non-Finnish European, 0.0071%; no homozygotes.

Submissions (3):

Dasa
Classification: Pathogenic. Last evaluated: 2025-12-06. Review status: criteria provided, single submitter. Criteria: DASA Assertion Criteria. Collection method: clinical testing. Allele origin: germline.
Comment: NM_020879.3(CCDC146):c.1084C>T (p.Arg362*) introduces a premature termination codon predicted to result in loss of normal protein function. Loss-of-function is an established mechanism of disease for this gene. This variant has been observed in affected individuals with related phenotype in a genotype context consistent with recessive disease (PMID: 38441556; PMID: 39245651). This variant has been recurrently observed in individuals with related phenotype (PMID: 38441556; PMID: 39245651). The variant is present at low frequency in population datasets. Based on the available data, this variant is classified as pathogenic.

OMIM
Classification: Pathogenic for SPERMATOGENIC FAILURE 94. Last evaluated: 2024-06-11. Review status: no assertion criteria provided. Collection method: literature only. Allele origin: germline. Not counted in ClinVar's aggregate classification.

Genetics of Infertility and Preimplantation Genetic Diagnosis, Centre Hospitalier Universitaire Grenoble Alpes
Classification: Pathogenic for Male infertility due to sperm motility disorder. Last evaluated: 2024-02-07. Review status: no assertion criteria provided. Collection method: clinical testing. Allele origin: biparental. Affected: yes. Not counted in ClinVar's aggregate classification.
Comment: homozygous variant

Literature cited by the submitters: PubMed 38441556 (cited by Dasa and OMIM); PubMed 39245651 (cited by Dasa).